The following is an entry in ClinVar:

NM_001430.5(EPAS1):c.2578G>A (p.Gly860Arg)

Gene: EPAS1 (endothelial PAS domain protein 1; plus strand). Cytogenetic location: 2p21.
Variant type: single nucleotide variant.
Coding change: c.2578G>A on transcript NM_001430.5 (MANE Select); coding-DNA position 2578, G replaced by A.
Protein change: p.Gly860Arg; replaces glycine 860 with arginine.
Molecular consequence: missense variant.
Genome position (GRCh38, 1-based): chr2:46,384,625, G>A. VCF-style: chr2-46384625-G-A. GRCh37 (hg19) VCF-style: chr2-46611764-G-A.
Other names: short protein forms G860R.
Identifiers: ClinVar variation 1793333 (VCV001793333.4), dbSNP rs769169512, ClinGen allele CA1645408.

ClinVar aggregate classification (germline): Uncertain significance. Review status: criteria provided, multiple submitters, no conflicts (2 of 4 stars). 2 submissions from 2 submitters: Uncertain significance (2). Last evaluated 2024-09-10.

Conditions:
Inborn genetic diseases. Identifiers: MedGen C0950123, MeSH D030342.

Allele frequency attached by ClinVar (database versions not stated): gnomAD exomes below 0.00001; ExAC 0.00001; gnomAD 0.00001.
gnomAD v4.1: 5 of 1,613,954 alleles (0.00031%); highest among the groups gnomAD compares: Non-Finnish European, 0.00042%; no homozygotes.

Submissions (2):

Labcorp Genetics (formerly Invitae), Labcorp
Classification: Uncertain significance. Last evaluated: 2024-09-10. Review status: criteria provided, single submitter. Criteria: Invitae Variant Classification Sherloc (09022015). Collection method: clinical testing. Allele origin: germline.
Comment: This sequence change replaces glycine, which is neutral and non-polar, with arginine, which is basic and polar, at codon 860 of the EPAS1 protein (p.Gly860Arg). This variant is present in population databases (rs769169512, gnomAD 0.0009%). This variant has not been reported in the literature in individuals affected with EPAS1-related conditions. ClinVar contains an entry for this variant (Variation ID: 1793333). An algorithm developed to predict the effect of missense changes on protein structure and function outputs the following: PolyPhen-2: "Benign". The arginine amino acid residue is found in multiple mammalian species, which suggests that this missense change does not adversely affect protein function. In summary, the available evidence is currently insufficient to determine the role of this variant in disease. Therefore, it has been classified as a Variant of Uncertain Significance.

Ambry Genetics
Classification: Uncertain significance for Inborn genetic diseases. Last evaluated: 2023-11-10. Review status: criteria provided, single submitter. Criteria: Ambry Variant Classification Scheme 2023. Collection method: clinical testing. Allele origin: germline.
Comment: The p.G860R variant (also known as c.2578G>A), located in coding exon 16 of the EPAS1 gene, results from a G to A substitution at nucleotide position 2578. The glycine at codon 860 is replaced by arginine, an amino acid with dissimilar properties. This amino acid position is conserved. In addition, this alteration is predicted to be tolerated by in silico analysis. Since supporting evidence is limited at this time, the clinical significance of this alteration remains unclear.